The following is an entry in ClinVar:

NM_020911.2(PLXNA4):c.5128C>A (p.Pro1710Thr)

Gene: PLXNA4 (plexin A4; minus strand). Cytogenetic location: 7q32.3.
Variant type: single nucleotide variant.
Coding change: c.5128C>A on transcript NM_020911.2 (MANE Select); coding-DNA position 5128, C replaced by A.
Protein change: p.Pro1710Thr; replaces proline 1710 with threonine.
Molecular consequence: missense variant.
Genome position (GRCh38, 1-based): chr7:132,145,216, G>T on the plus strand (C>A on the coding strand, the complement: PLXNA4 is on the minus strand). VCF-style: chr7-132145216-G-T. GRCh37 (hg19) VCF-style: chr7-131829975-G-T.
Other names: c.5128C>A, p.Pro1710Thr (NM_001393897.1); short protein forms P1710T.
Identifiers: ClinVar variation 4997486 (VCV004997486.1).

ClinVar aggregate classification (germline): Uncertain significance (1 of 4 stars; one submission).

Conditions:
PLXNA4-related disorder. Also called: PLXNA4-related condition.

Submission:

PreventionGenetics, part of Exact Sciences
Classification: Uncertain significance for PLXNA4-related condition. Last evaluated: 2025-06-03. Review status: criteria provided, single submitter. Criteria: ACMG Guidelines, 2015. Collection method: clinical testing. Allele origin: germline.
Comment: The PLXNA4 c.5128C>A variant is predicted to result in the amino acid substitution p.Pro1710Thr. To our knowledge, this variant has not been reported in the literature or in a large population database (gnomAD), indicating this variant is rare. At this time, the clinical significance of this variant is uncertain due to the absence of conclusive functional and genetic evidence.